The following is an entry in ClinVar:

ClinVar aggregate classification (germline): Uncertain significance (1 of 4 stars; one submission).

Conditions:
Hereditary cancer-predisposing syndrome. Also called: Neoplastic Syndromes, Hereditary; Tumor predisposition; Hereditary Cancer Syndrome; Hereditary neoplastic syndrome. Identifiers: Orphanet 140162, MedGen C0027672, MeSH D009386, MONDO:0015356.

Submission:

Ambry Genetics
Classification: Uncertain significance for Hereditary cancer-predisposing syndrome. Last evaluated: 2026-04-10. Review status: criteria provided, single submitter. Criteria: Ambry Variant Classification Scheme 2023. Collection method: clinical testing. Allele origin: germline.
Comment: The p.S244C variant (also known as c.731C>G), located in coding exon 1 of the MET gene, results from a C to G substitution at nucleotide position 731. The serine at codon 244 is replaced by cysteine, an amino acid with dissimilar properties. This amino acid position is well conserved in available vertebrate species. In addition, this alteration is predicted to be tolerated by in silico analysis. Based on the available evidence, the clinical significance of this variant remains unclear.

NM_000245.4(MET):c.731C>G (p.Ser244Cys)

Gene: MET (MET proto-oncogene, receptor tyrosine kinase; plus strand). Cytogenetic location: 7q31.2.
Variant type: single nucleotide variant.
Coding change: c.731C>G on transcript NM_000245.4 (MANE Select); coding-DNA position 731, C replaced by G.
Protein change: p.Ser244Cys; replaces serine 244 with cysteine.
Molecular consequence: missense variant. On other transcripts: intron variant (1).
Genome position (GRCh38, 1-based): chr7:116,699,815, C>G. VCF-style: chr7-116699815-C-G. GRCh37 (hg19) VCF-style: chr7-116339869-C-G.
Other names: c.731C>G, p.Ser244Cys (NM_001127500.3, NM_001324401.3); c.-91+27238C>G (NM_001324402.2); short protein forms S244C.
Identifiers: ClinVar variation 4859959 (VCV004859959.1).